The following is an entry in ClinVar:

ClinVar aggregate classification (germline): Uncertain significance (1 of 4 stars; one submission).

Conditions:
Polycystic kidney disease 4 (PKD4). Also called: POLYCYSTIC KIDNEY DISEASE 4 WITH OR WITHOUT POLYCYSTIC LIVER DISEASE; PKD3; POLYCYSTIC KIDNEY AND HEPATIC DISEASE 1; POLYCYSTIC KIDNEY DISEASE, INFANTILE, TYPE I; Autosomal Recessive Polycystic Kidney Disease – PKHD1. Identifiers: MedGen C4540575, MONDO:0033004, OMIM 263200.

Submission:

MVZ Medizinische Genetik Mainz
Classification: Uncertain significance for Polycystic kidney disease 4. Last evaluated: 2023-03-16. Review status: criteria provided, single submitter. Criteria: UK Practice Guidelines For Variant Classification V4 01 2020. Collection method: clinical testing. Allele origin: germline. Inheritance: Autosomal recessive inheritance. Affected: yes. Observed: 1 variant allele.
Comment: ACMG Criteria: PP3_MOD,PM2_SUP; Compound Heterozygote

NM_138694.4(PKHD1):c.2573A>T (p.Asp858Val)

Gene: PKHD1 (PKHD1 ciliary IPT domain containing fibrocystin/polyductin; minus strand). Cytogenetic location: 6p12.2.
Variant type: single nucleotide variant.
Coding change: c.2573A>T on transcript NM_138694.4 (MANE Select); coding-DNA position 2573, A replaced by T.
Protein change: p.Asp858Val; replaces aspartic acid 858 with valine.
Molecular consequence: missense variant.
Genome position (GRCh38, 1-based): chr6:52,046,023, T>A on the plus strand (A>T on the coding strand, the complement: PKHD1 is on the minus strand). VCF-style: chr6-52046023-T-A. GRCh37 (hg19) VCF-style: chr6-51910821-T-A.
Other names: c.2573A>T, p.Asp858Val (NM_170724.3); short protein forms D858V.
Identifiers: ClinVar variation 3236004 (VCV003236004.1), dbSNP rs2533119337, ClinGen allele CA364443053.